The following is an entry in ClinVar:

NM_004380.3(CREBBP):c.6703C>G (p.Gln2235Glu)

Gene: CREBBP (CREB binding lysine acetyltransferase; minus strand). Cytogenetic location: 16p13.3.
Variant type: single nucleotide variant.
Coding change: c.6703C>G on transcript NM_004380.3 (MANE Select); coding-DNA position 6703, C replaced by G.
Protein change: p.Gln2235Glu; replaces glutamine 2235 with glutamic acid.
Molecular consequence: missense variant.
Genome position (GRCh38, 1-based): chr16:3,728,344, G>C on the plus strand (C>G on the coding strand, the complement: CREBBP is on the minus strand). VCF-style: chr16-3728344-G-C. GRCh37 (hg19) VCF-style: chr16-3778345-G-C.
Other names: c.6589C>G, p.Gln2197Glu (NM_001079846.1); short protein forms Q2197E, Q2235E.
Identifiers: ClinVar variation 3656019 (VCV003656019.2).

ClinVar aggregate classification (germline): Uncertain significance (1 of 4 stars; one submission).

Conditions:
Rubinstein-Taybi syndrome (RSTS). Identifiers: Orphanet 783, MedGen C0035934, MONDO:0019188.

Submission:

Labcorp Genetics (formerly Invitae), Labcorp
Classification: Uncertain significance for Rubinstein-Taybi syndrome. Last evaluated: 2024-10-12. Review status: criteria provided, single submitter. Criteria: Invitae Variant Classification Sherloc (09022015). Collection method: clinical testing. Allele origin: germline.
Comment: This sequence change replaces glutamine, which is neutral and polar, with glutamic acid, which is acidic and polar, at codon 2235 of the CREBBP protein (p.Gln2235Glu). This variant is not present in population databases (gnomAD no frequency). This variant has not been reported in the literature in individuals affected with CREBBP-related conditions. Invitae Evidence Modeling of protein sequence and biophysical properties (such as structural, functional, and spatial information, amino acid conservation, physicochemical variation, residue mobility, and thermodynamic stability) indicates that this missense variant is not expected to disrupt CREBBP protein function with a negative predictive value of 95%. In summary, the available evidence is currently insufficient to determine the role of this variant in disease. Therefore, it has been classified as a Variant of Uncertain Significance.